The following is an entry in ClinVar:

ClinVar aggregate classification (germline): Uncertain significance. Review status: criteria provided, multiple submitters, no conflicts (2 of 4 stars). 3 submissions from 3 submitters: Uncertain significance (3). Last evaluated 2026-04-07.

Conditions:
Inborn genetic diseases. Identifiers: MedGen C0950123, MeSH D030342.
Combined immunodeficiency due to DOCK8 deficiency (HIES2). Also called: HIES autosomal recessive; HYPER-IgE RECURRENT INFECTION SYNDROME 2, AUTOSOMAL RECESSIVE; DOCK8 Deficiency; Hyper-IgE recurrent infection syndrome, autosomal recessive; HYPER-IgE SYNDROME 2, AUTOSOMAL RECESSIVE, WITH RECURRENT INFECTIONS. Identifiers: Orphanet 217390, MedGen C4722305, MONDO:0009478, OMIM 243700.

Allele frequency attached by ClinVar (database versions not stated): gnomAD 0.00028 and 0.00031; TOPMed 0.00036; ESP Exome Variant Server 0.00054.
gnomAD v4.1: 73 of 1,613,742 alleles (0.0045%); highest among the groups gnomAD compares: African/African-American, 0.09%; no homozygotes.

Submissions (3):

Women's Health and Genetics/Laboratory Corporation of America, LabCorp
Classification: Uncertain significance. Last evaluated: 2026-04-07. Review status: criteria provided, single submitter. Criteria: LabCorp Variant Classification Summary - May 2015. Collection method: clinical testing. Allele origin: germline.

Labcorp Genetics (formerly Invitae), Labcorp
Classification: Uncertain significance for Combined immunodeficiency due to DOCK8 deficiency. Last evaluated: 2026-01-19. Review status: criteria provided, single submitter. Criteria: Invitae Variant Classification Sherloc (09022015). Collection method: clinical testing. Allele origin: germline.
Comment: This sequence change replaces alanine, which is neutral and non-polar, with glycine, which is neutral and non-polar, at codon 1579 of the DOCK8 protein (p.Ala1579Gly). This variant is present in population databases (rs145202369, gnomAD 0.1%). This variant has not been reported in the literature in individuals affected with DOCK8-related conditions. ClinVar contains an entry for this variant (Variation ID: 834411). Invitae Evidence Modeling of protein sequence and biophysical properties (such as structural, functional, and spatial information, amino acid conservation, physicochemical variation, residue mobility, and thermodynamic stability) indicates that this missense variant is not expected to disrupt DOCK8 protein function with a negative predictive value of 80%. In summary, the available evidence is currently insufficient to determine the role of this variant in disease. Therefore, it has been classified as a Variant of Uncertain Significance.

Ambry Genetics
Classification: Uncertain significance for Inborn genetic diseases. Last evaluated: 2025-08-09. Review status: criteria provided, single submitter. Criteria: Ambry Variant Classification Scheme 2023. Collection method: clinical testing. Allele origin: germline.

NM_203447.4(DOCK8):c.4736C>G (p.Ala1579Gly)

Gene: DOCK8 (dedicator of cytokinesis 8; plus strand). Cytogenetic location: 9p24.3.
Variant type: single nucleotide variant.
Coding change: c.4736C>G on transcript NM_203447.4 (MANE Select); coding-DNA position 4736, C replaced by G.
Protein change: p.Ala1579Gly; replaces alanine 1579 with glycine.
Molecular consequence: missense variant.
Genome position (GRCh38, 1-based): chr9:432,275, C>G. VCF-style: chr9-432275-C-G. GRCh37 (hg19) VCF-style: chr9-432275-C-G.
Other names: c.4436C>G, p.Ala1479Gly (NM_001190458.2); c.4532C>G, p.Ala1511Gly (NM_001193536.2); short protein forms A1479G, A1511G, A1579G.
Identifiers: ClinVar variation 834411 (VCV000834411.10), dbSNP rs145202369, ClinGen allele CA4959182.
Genomic context (GRCh38, chr9:432,275, plus strand): 5'-TGGGAAGAGCACCAGACTTTAATGAAGAGCACCTGAGAAGATCCTTGAGGACAATTTTGG[C>G]CTATTCAGAAGAGGACACAGCCATGCAGATGACTCCTTTTCCCACCCAGGTACACCGAAG-3'
Protein context (NP_982272.2, residues 1569-1589): HLRRSLRTIL[Ala1579Gly]YSEEDTAMQM